The following is an entry in ClinVar:

NM_025074.7(FRAS1):c.6039T>C (p.Ser2013=)

Gene: FRAS1 (Fraser extracellular matrix complex subunit 1; plus strand). Cytogenetic location: 4q21.21.
Variant type: single nucleotide variant.
Coding change: c.6039T>C on transcript NM_025074.7 (MANE Select); coding-DNA position 6039, T replaced by C.
Protein change: p.Ser2013=; no amino-acid change (serine 2013 retained).
Molecular consequence: synonymous variant.
Genome position (GRCh38, 1-based): chr4:78,448,081, T>C. VCF-style: chr4-78448081-T-C. GRCh37 (hg19) VCF-style: chr4-79369235-T-C.
Other names: p.Ser2013=.
Identifiers: ClinVar variation 349732 (VCV000349732.15), dbSNP rs76472539, ClinGen allele CA2977688.

ClinVar aggregate classification (germline): Benign. Review status: criteria provided, multiple submitters, no conflicts (2 of 4 stars). 4 submissions from 4 submitters: Benign (4). Last evaluated 2026-02-02.

Conditions:
Fraser syndrome 1 (FRASRS1). Also called: CRYPTOPHTHALMOS WITH OTHER MALFORMATIONS. Identifiers: Orphanet 2052, MedGen C4551480, MONDO:0054737, OMIM 219000.

Allele frequency attached by ClinVar (database versions not stated): gnomAD exomes 0.00264 and 0.00682; ExAC 0.00965; ESP Exome Variant Server 0.02582; gnomAD 0.02611 and 0.02805; TOPMed 0.02867; 1000 Genomes Project 0.02995; 1000 Genomes Project 30x 0.03295.
gnomAD v4.1: 7,985 of 1,612,340 alleles (0.5%); highest among the groups gnomAD compares: African/African-American, 9.1%; 333 homozygotes.

Submissions (4):

Labcorp Genetics (formerly Invitae), Labcorp
Classification: Benign. Last evaluated: 2026-02-02. Review status: criteria provided, single submitter. Criteria: Invitae Variant Classification Sherloc (09022015). Collection method: clinical testing. Allele origin: germline.

Mayo Clinic Laboratories, Mayo Clinic
Classification: Benign. Last evaluated: 2023-04-10. Review status: criteria provided, single submitter. Criteria: ACMG Guidelines, 2015. Collection method: clinical testing. Allele origin: germline. Observed: 1 variant allele.

Illumina Laboratory Services, Illumina
Classification: Benign for Fraser syndrome 1. Last evaluated: 2018-01-13. Review status: criteria provided, single submitter. Criteria: ICSL Variant Classification Criteria 13 December 2019. Collection method: clinical testing. Allele origin: germline.
Comment: This variant was observed in the ICSL laboratory as part of a predisposition screen in an ostensibly healthy population. It had not been previously curated by ICSL or reported in the Human Gene Mutation Database (HGMD: prior to June 1st, 2018), and was therefore a candidate for classification through an automated scoring system. Utilizing variant allele frequency, disease prevalence and penetrance estimates, and inheritance mode, an automated score was calculated to assess if this variant is too frequent to cause the disease. Based on the score and internal cut-off values, a variant classified as benign is not then subjected to further curation. The score for this variant resulted in a classification of benign for this disease.

Breakthrough Genomics
Classification: Benign. Review status: criteria provided, single submitter. Criteria: ACMG Guidelines, 2015. Collection method: not provided. Allele origin: germline. Inheritance: Autosomal recessive inheritance. Affected: yes.